The following is an entry in ClinVar:

NM_002296.4(LBR):c.1788C>A (p.Gly596=)

Gene: LBR (lamin B receptor; minus strand). Cytogenetic location: 1q42.12.
Variant type: single nucleotide variant.
Coding change: c.1788C>A on transcript NM_002296.4 (MANE Select); coding-DNA position 1788, C replaced by A.
Protein change: p.Gly596=; no amino-acid change (glycine 596 retained).
Molecular consequence: synonymous variant.
Genome position (GRCh38, 1-based): chr1:225,403,363, G>T on the plus strand (C>A on the coding strand, the complement: LBR is on the minus strand). VCF-style: chr1-225403363-G-T. GRCh37 (hg19) VCF-style: chr1-225591065-G-T.
Other names: c.1788C>A, p.Gly596= (NM_194442.3).
Identifiers: ClinVar variation 3043051 (VCV003043051.4), dbSNP rs558248227, ClinGen allele CA1417031.

ClinVar aggregate classification (germline): Likely benign. Review status: criteria provided, single submitter (1 of 4 stars). 2 submissions from 2 submitters: Likely benign (1). 1 of the submissions does not count toward it. Last evaluated 2024-09-22.

Conditions:
LBR-related disorder. Also called: LBR-related disorders; LBR-related condition.

Allele frequency attached by ClinVar (database versions not stated): 1000 Genomes Project 30x 0.00016; 1000 Genomes Project 0.00020.
gnomAD v4.1: 26 of 1,613,588 alleles (0.0016%); highest among the groups gnomAD compares: Admixed American, 0.035%; no homozygotes.

Submissions (2):

Labcorp Genetics (formerly Invitae), Labcorp
Classification: Likely benign. Last evaluated: 2024-09-22. Review status: criteria provided, single submitter. Criteria: Invitae Variant Classification Sherloc (09022015). Collection method: clinical testing. Allele origin: germline.

PreventionGenetics, part of Exact Sciences
Classification: Likely benign for LBR-related condition. Last evaluated: 2019-07-01. Review status: no assertion criteria provided. Collection method: clinical testing. Allele origin: germline. Not counted in ClinVar's aggregate classification.
Comment: This variant is classified as likely benign based on ACMG/AMP sequence variant interpretation guidelines (Richards et al. 2015 PMID: 25741868, with internal and published modifications).